The following is an entry in ClinVar:

NM_000642.3(AGL):c.643G>A (p.Asp215Asn)

Gene: AGL (amylo-alpha-1,6-glucosidase and 4-alpha-glucanotransferase; plus strand). Cytogenetic location: 1p21.2.
Variant type: single nucleotide variant.
Coding change: c.643G>A on transcript NM_000642.3 (MANE Select); coding-DNA position 643, G replaced by A.
Protein change: p.Asp215Asn; replaces aspartic acid 215 with asparagine.
Molecular consequence: missense variant.
Genome position (GRCh38, 1-based): chr1:99,864,568, G>A. VCF-style: chr1-99864568-G-A. GRCh37 (hg19) VCF-style: chr1-100330124-G-A.
Other names: c.643G>A, p.Asp215Asn (NM_000028.3, NM_000643.3, NM_000644.3 and 3 more transcripts); c.595G>A, p.Asp199Asn (NM_000646.3); c.265G>A, p.Asp89Asn (NM_001425332.1); short protein forms D215N, D199N, D89N.
Identifiers: ClinVar variation 2733955 (VCV002733955.3), dbSNP rs2524518337, ClinGen allele CA341336278.

ClinVar aggregate classification (germline): Likely pathogenic (1 of 4 stars; one submission).

Conditions:
Glycogen storage disease type III (GSD3). Also called: Cori disease; FORBES DISEASE. Identifiers: Orphanet 366, MedGen C0017922, MONDO:0009291, OMIM 232400.

Submission:

Labcorp Genetics (formerly Invitae), Labcorp
Classification: Likely pathogenic for Glycogen storage disease type III. Last evaluated: 2023-08-08. Review status: criteria provided, single submitter. Criteria: Invitae Variant Classification Sherloc (09022015). Collection method: clinical testing. Allele origin: germline.
Comment: In summary, the currently available evidence indicates that the variant is pathogenic, but additional data are needed to prove that conclusively. Therefore, this variant has been classified as Likely Pathogenic. Algorithms developed to predict the effect of sequence changes on RNA splicing suggest that this variant may disrupt the consensus splice site. Experimental studies have shown that this missense change affects AGL function (PMID: 27088557). Advanced modeling of protein sequence and biophysical properties (such as structural, functional, and spatial information, amino acid conservation, physicochemical variation, residue mobility, and thermodynamic stability) performed at Invitae indicates that this missense variant is expected to disrupt AGL protein function. This missense change has been observed in individual(s) with AGL-related conditions (PMID: 23430490). This variant is not present in population databases (gnomAD no frequency). This sequence change replaces aspartic acid, which is acidic and polar, with asparagine, which is neutral and polar, at codon 215 of the AGL protein (p.Asp215Asn).

Literature cited by the submitters: PubMed 27088557; PubMed 23430490.